The following is an entry in ClinVar:

NM_022455.5(NSD1):c.2760_2763del (p.Ser920fs)

Gene: NSD1 (nuclear receptor binding SET domain protein 1; plus strand). Cytogenetic location: 5q35.3.
Variant type: Deletion.
Coding change: c.2760_2763del on transcript NM_022455.5 (MANE Select); coding-DNA positions 2760 to 2763, 4 bases deleted (TAAG; older notation c.2760_2763delTAAG).
Protein change: p.Ser920fs; shifts the reading frame from serine 920.
Molecular consequence: frameshift variant.
Genome position (GRCh38, 1-based): chr5:177,211,159-177,211,162, TAAG deleted; deleting any 4 consecutive bases within chr5:177,211,157-177,211,162 gives the same sequence; the c. name uses the placement nearest the transcript's 3' end. VCF-style (leftmost placement, unchanged base first): chr5-177211156-TAGTA-T. GRCh37 (hg19) VCF-style: chr5-176638157-TAGTA-T.
Other names: c.1887_1890delTAAG, p.Ser629Argfs (NM_001365684.2, NM_001409306.1, NM_001409307.1 and 3 more transcripts); c.2760_2763delTAAG, p.Ser920Argfs (NM_001409301.1, NM_001409302.1, NM_001409303.1 and 1 more transcripts); c.2340_2343delTAAG, p.Ser780Argfs (NM_001409304.1); c.2007_2010delTAAG, p.Ser669Argfs (NM_001409305.1); short protein forms S651fs, S920fs.
Identifiers: ClinVar variation 419698 (VCV000419698.6), dbSNP rs1064794051, ClinGen allele CA16618169.

ClinVar aggregate classification (germline): Pathogenic. Review status: criteria provided, multiple submitters, no conflicts (2 of 4 stars). 3 submissions from 3 submitters: Pathogenic (3). Last evaluated 2021-07-15.

Conditions:
Sotos syndrome (SOTOS). Also called: CEREBRAL GIGANTISM; Sotos' syndrome; Distinctive facial appearance, overgrowth in childhood, and learning disabilities or delayed development; CHROMOSOME 5q35 DELETION SYNDROME; SOTOS SYNDROME 1. Identifiers: Orphanet 821, MedGen C0175695, MONDO:0019349, OMIM 117550.
Beckwith-Wiedemann syndrome (BWS). Also called: Exomphalos macroglossia gigantism syndrome; EMG SYNDROME. Identifiers: Orphanet 116, MedGen C0004903, MONDO:0007534, OMIM 130650.

Submissions (3):

Genome-Nilou Lab
Classification: Pathogenic for Sotos syndrome. Last evaluated: 2021-07-15. Review status: criteria provided, single submitter. Criteria: ACMG Guidelines, 2015. Collection method: clinical testing. Allele origin: germline. Affected: no.

Labcorp Genetics (formerly Invitae), Labcorp
Classification: Pathogenic for Beckwith-Wiedemann syndrome. Last evaluated: 2019-05-04. Review status: criteria provided, single submitter. Criteria: Invitae Variant Classification Sherloc (09022015). Collection method: clinical testing. Allele origin: germline.
Comment: This sequence change creates a premature translational stop signal (p.Ser920Argfs*7) in the NSD1 gene. It is expected to result in an absent or disrupted protein product. This variant is not present in population databases (ExAC no frequency). This variant has been observed to be de novo in individuals affected with Sotos syndrome (PMID: 12807965, 17565729). ClinVar contains an entry for this variant (Variation ID: 419698). Loss-of-function variants in NSD1 are known to be pathogenic (PMID: 12464997, 14571271, 15942875, 16247291). For these reasons, this variant has been classified as Pathogenic.

GeneDx
Classification: Pathogenic. Last evaluated: 2015-08-14. Review status: criteria provided, single submitter. Criteria: GeneDx Variant Classification (06012015). Collection method: clinical testing. Allele origin: germline. Affected: yes.
Comment: The c.2760_2763delTAAG deletion in the NSD1 gene has been reported previously in association with Sotos syndrome (Saugier-Veber et al., 2007; Rio et al., 2003). The deletion causes a frameshift starting with codon Serine 920, changes this amino acid to a Arginine residue and creates a premature Stop codon at position 7 of the new reading frame, denoted p.Ser920ArgfsX7. This variant is predicted to cause loss of normal protein function either through protein truncation or nonsense-mediated mRNA decay. Therefore, we interpret c.2760_2763delTAAG as a pathogenic variant.

Literature cited by the submitters: PubMed 12807965 (cited by Labcorp Genetics (formerly Invitae), Labcorp); PubMed 17565729 (cited by Labcorp Genetics (formerly Invitae), Labcorp).